The following is an entry in ClinVar:

NM_001478.5(B4GALNT1):c.943G>A (p.Asp315Asn)

Gene: B4GALNT1 (beta-1,4-N-acetyl-galactosaminyltransferase 1; minus strand). Cytogenetic location: 12q13.3.
Variant type: single nucleotide variant.
Coding change: c.943G>A on transcript NM_001478.5 (MANE Select); coding-DNA position 943, G replaced by A.
Protein change: p.Asp315Asn; replaces aspartic acid 315 with asparagine.
Molecular consequence: missense variant.
Genome position (GRCh38, 1-based): chr12:57,628,772, C>T on the plus strand (G>A on the coding strand, the complement: B4GALNT1 is on the minus strand). VCF-style: chr12-57628772-C-T. GRCh37 (hg19) VCF-style: chr12-58022555-C-T.
Other names: c.943G>A (NM_001478.3); c.778G>A, p.Asp260Asn (NM_001276468.2, NM_001413978.1); c.943G>A, p.Asp315Asn (NM_001413967.1, NM_001413968.1, NM_001413969.1 and 7 more transcripts); c.844G>A, p.Asp282Asn (NM_001413977.1); c.-45G>A (NM_001413981.1, NM_001413982.1, NM_001413983.1 and 1 more transcripts); short protein forms D260N, D282N, D315N.
Identifiers: ClinVar variation 1918529 (VCV001918529.5), dbSNP rs776406022, ClinGen allele CA6655591.

ClinVar aggregate classification (germline): Uncertain significance. Review status: criteria provided, multiple submitters, no conflicts (2 of 4 stars). 2 submissions from 2 submitters: Uncertain significance (2). Last evaluated 2025-08-06.

Conditions:
Inborn genetic diseases. Identifiers: MedGen C0950123, MeSH D030342.
Spastic paraplegia. Identifiers: MedGen C0037772, HP:0001258.

Allele frequency attached by ClinVar (database versions not stated): ExAC 0.00001; gnomAD exomes 0.00001; gnomAD 0.00003; TOPMed 0.00003.
gnomAD v4.1: 16 of 1,614,112 alleles (0.00099%); highest among the groups gnomAD compares: Admixed American, 0.0083%; no homozygotes.

Submissions (2):

Ambry Genetics
Classification: Uncertain significance for Inborn genetic diseases. Last evaluated: 2025-08-06. Review status: criteria provided, single submitter. Criteria: Ambry Variant Classification Scheme 2023. Collection method: clinical testing. Allele origin: germline.

Labcorp Genetics (formerly Invitae), Labcorp
Classification: Uncertain significance for Spastic paraplegia. Last evaluated: 2024-02-05. Review status: criteria provided, single submitter. Criteria: Invitae Variant Classification Sherloc (09022015). Collection method: clinical testing. Allele origin: germline.
Comment: This sequence change replaces aspartic acid, which is acidic and polar, with asparagine, which is neutral and polar, at codon 315 of the B4GALNT1 protein (p.Asp315Asn). This variant is present in population databases (rs776406022, gnomAD 0.009%). This variant has not been reported in the literature in individuals affected with B4GALNT1-related conditions. ClinVar contains an entry for this variant (Variation ID: 1918529). Advanced modeling of protein sequence and biophysical properties (such as structural, functional, and spatial information, amino acid conservation, physicochemical variation, residue mobility, and thermodynamic stability) performed at Invitae indicates that this missense variant is not expected to disrupt B4GALNT1 protein function with a negative predictive value of 80%. In summary, the available evidence is currently insufficient to determine the role of this variant in disease. Therefore, it has been classified as a Variant of Uncertain Significance.